The following is an entry in ClinVar:

ClinVar aggregate classification (germline): Likely pathogenic (1 of 4 stars; one submission).

Conditions:
RELN-related disorder. Also called: RELN-related condition.

Submission:

PreventionGenetics, part of Exact Sciences
Classification: Likely pathogenic for RELN-related condition. Last evaluated: 2025-08-27. Review status: criteria provided, single submitter. Criteria: ACMG Guidelines, 2015. Collection method: clinical testing. Allele origin: germline.
Comment: The RELN c.4986delC variant is predicted to result in a frameshift and premature protein termination (p.Leu1664Cysfs*5). To our knowledge, this variant has not been reported in the literature or in a large population database (gnomAD), indicating this variant is rare. Frameshift variants in RELN are expected to be pathogenic. This variant is interpreted as likely pathogenic.

NM_005045.4(RELN):c.4986del (p.Leu1664fs)

Gene: RELN (reelin; minus strand). Cytogenetic location: 7q22.1.
Variant type: Deletion.
Coding change: c.4986del on transcript NM_005045.4 (MANE Select); coding-DNA position 4986, one base deleted (C; older notation c.4986delC).
Protein change: p.Leu1664fs; shifts the reading frame from leucine 1664.
Molecular consequence: frameshift variant.
Genome position (GRCh38, 1-based): chr7:103,565,502, G deleted on the plus strand (C on the coding strand, the reverse complement: RELN is on the minus strand); the first of 2 consecutive G bases (chr7:103,565,502-103,565,503); deleting either gives the same sequence. VCF-style (leftmost placement, unchanged base first): chr7-103565501-AG-A. GRCh37 (hg19) VCF-style: chr7-103205948-AG-A.
Other names: c.4986del, p.Leu1664fs (NM_173054.3); short protein forms L1664fs.
Identifiers: ClinVar variation 4996050 (VCV004996050.1).